The following is an entry in ClinVar:

ClinVar aggregate classification (germline): Likely benign. Review status: criteria provided, multiple submitters, no conflicts (2 of 4 stars). 3 submissions from 3 submitters: Likely benign (2). 1 of the submissions does not count toward it. Last evaluated 2024-10-22.

Conditions:
CLRN1-related disorder. Also called: CLRN1-related condition.

Allele frequency attached by ClinVar (database versions not stated): ExAC 0.00033; TOPMed 0.00039; gnomAD exomes 0.00046; 1000 Genomes Project 0.00120; 1000 Genomes Project 30x 0.00141.
gnomAD v4.1: 292 of 1,534,898 alleles (0.019%); highest among the groups gnomAD compares: East Asian, 0.34%; 1 homozygote.

Submissions (3):

Blueprint Genetics
Classification: Likely benign. Last evaluated: 2024-10-22. Review status: criteria provided, single submitter. Criteria: ACMG Guidelines, 2015. Collection method: clinical testing. Allele origin: germline.

Laboratory for Molecular Medicine, Mass General Brigham Personalized Medicine
Classification: Likely benign. Last evaluated: 2017-02-10. Review status: criteria provided, single submitter. Criteria: LMM Criteria. Collection method: clinical testing. Allele origin: germline. Observed: 2 variant alleles.
Comment: c.472+5T>C in exon 3C of CLRN1: This variant is not expected to have clinical si gnificance because it has been identified in 0.4% (44/11562) of East Asian chrom osomes by the Genome Aggregation Database (gnomAD. org; dbSNP rs140407590).

PreventionGenetics, part of Exact Sciences
Classification: Likely benign for CLRN1-related condition. Last evaluated: 2020-02-19. Review status: no assertion criteria provided. Collection method: clinical testing. Allele origin: germline. Not counted in ClinVar's aggregate classification.
Comment: This variant is classified as likely benign based on ACMG/AMP sequence variant interpretation guidelines (Richards et al. 2015 PMID: 25741868, with internal and published modifications).

NM_174878.3(CLRN1):c.433+1106T>C

Gene: CLRN1 (clarin 1; minus strand). Cytogenetic location: 3q25.1.
Variant type: single nucleotide variant.
Coding change: c.433+1106T>C on transcript NM_174878.3 (MANE Select); 1106 bases into the intron after coding-DNA position 433, T replaced by C.
Molecular consequence: intron variant.
Genome position (GRCh38, 1-based): chr3:150,940,476, A>G on the plus strand (T>C on the coding strand, the complement: CLRN1 is on the minus strand). VCF-style: chr3-150940476-A-G. GRCh37 (hg19) VCF-style: chr3-150658263-A-G.
Other names: c.205+1106T>C (NM_052995.2); c.472+5T>C (NM_001195794.1); c.*47+1106T>C (NM_001256819.2).
Identifiers: ClinVar variation 228522 (VCV000228522.7), dbSNP rs140407590, ClinGen allele CA2666047.
Genomic context (GRCh38, chr3:150,940,476, plus strand): 5'-TACACGTTTGTGGTTGGGGTTGAATTGTATGAGAGAAGGGAGTAGTGTCAAGAGCAAGAA[A>G]GTACCTTGAGCCTGGTGCCTGGTAGCTGGCAGCCAAAGGGCAACTTCAGGAGAAAAAGAA-3'